The following is an entry in ClinVar:

ClinVar aggregate classification (germline): Uncertain significance (1 of 4 stars; one submission).

Conditions:
Familial thoracic aortic aneurysm and aortic dissection (TAAD). Also called: Thoracic aortic aneurysms and dissections. Identifiers: Orphanet 91387, MedGen C4707243, MONDO:0019625.

Submission:

Labcorp Genetics (formerly Invitae), Labcorp
Classification: Uncertain significance for Familial thoracic aortic aneurysm and aortic dissection. Last evaluated: 2022-12-03. Review status: criteria provided, single submitter. Criteria: Invitae Variant Classification Sherloc (09022015). Collection method: clinical testing. Allele origin: germline.
Comment: This variant has not been reported in the literature in individuals affected with SMAD3-related conditions. In summary, the available evidence is currently insufficient to determine the role of this variant in disease. Therefore, it has been classified as a Variant of Uncertain Significance. Advanced modeling of protein sequence and biophysical properties (such as structural, functional, and spatial information, amino acid conservation, physicochemical variation, residue mobility, and thermodynamic stability) performed at Invitae indicates that this missense variant is not expected to disrupt SMAD3 protein function. This variant is not present in population databases (gnomAD no frequency). This sequence change replaces glutamic acid, which is acidic and polar, with glycine, which is neutral and non-polar, at codon 107 of the SMAD3 protein (p.Glu107Gly).

NM_005902.4(SMAD3):c.320A>G (p.Glu107Gly)

Gene: SMAD3 (SMAD family member 3; plus strand). Cytogenetic location: 15q22.33.
Variant type: single nucleotide variant.
Coding change: c.320A>G on transcript NM_005902.4 (MANE Select); coding-DNA position 320, A replaced by G.
Protein change: p.Glu107Gly; replaces glutamic acid 107 with glycine.
Molecular consequence: missense variant.
Genome position (GRCh38, 1-based): chr15:67,165,008, A>G. VCF-style: chr15-67165008-A-G. GRCh37 (hg19) VCF-style: chr15-67457346-A-G.
Other names: c.5A>G, p.Glu2Gly (NM_001407016.1, NM_001145102.2, NM_001407015.1); c.188A>G, p.Glu63Gly (NM_001145103.2); c.320A>G, p.Glu107Gly (NM_001407011.1, NM_001407012.1, NM_001407013.1); c.173A>G, p.Glu58Gly (NM_001407014.1); short protein forms E107G, E58G, E2G, E63G.
Identifiers: ClinVar variation 2057767 (VCV002057767.4), dbSNP rs2505210441, ClinGen allele CA392954021.